The following is an entry in ClinVar:

ClinVar aggregate classification (germline): Uncertain significance (1 of 4 stars; one submission).

Submission:

Labcorp Genetics (formerly Invitae), Labcorp
Classification: Uncertain significance. Last evaluated: 2024-02-23. Review status: criteria provided, single submitter. Criteria: Invitae Variant Classification Sherloc (09022015). Collection method: clinical testing. Allele origin: germline.
Comment: This sequence change replaces proline, which is neutral and non-polar, with leucine, which is neutral and non-polar, at codon 424 of the KMT2B protein (p.Pro424Leu). This variant is not present in population databases (gnomAD no frequency). This variant has not been reported in the literature in individuals affected with KMT2B-related conditions. Advanced modeling of protein sequence and biophysical properties (such as structural, functional, and spatial information, amino acid conservation, physicochemical variation, residue mobility, and thermodynamic stability) performed at Invitae indicates that this missense variant is not expected to disrupt KMT2B protein function with a negative predictive value of 80%. In summary, the available evidence is currently insufficient to determine the role of this variant in disease. Therefore, it has been classified as a Variant of Uncertain Significance.

NM_014727.3(KMT2B):c.1271C>T (p.Pro424Leu)

Gene: KMT2B (lysine methyltransferase 2B; plus strand). Cytogenetic location: 19q13.12.
Variant type: single nucleotide variant.
Coding change: c.1271C>T on transcript NM_014727.3 (MANE Select); coding-DNA position 1271, C replaced by T.
Protein change: p.Pro424Leu; replaces proline 424 with leucine.
Molecular consequence: missense variant.
Genome position (GRCh38, 1-based): chr19:35,720,618, C>T. VCF-style: chr19-35720618-C-T. GRCh37 (hg19) VCF-style: chr19-36211520-C-T.
Other names: short protein forms P424L.
Identifiers: ClinVar variation 2762112 (VCV002762112.3), dbSNP rs2513314669, ClinGen allele CA405389583.
Genomic context (GRCh38, chr19:35,720,618, plus strand): 5'-CGCCTCTGACTCCTCCAGCCCCTTCACCTCCTCCACCCCTCCCACCCCCTTCGACATCTC[C>T]TCCACCCCCACTCTGCCCTCCACCACCACCCCCAGTGTCCCCACCACCTCTACCATCCCC-3'
Protein context (NP_055542.1, residues 414-434): PPPLPPPSTS[Pro424Leu]PPPLCPPPPP